The following is an entry in ClinVar:

NM_014236.4(GNPAT):c.1336G>T (p.Ala446Ser)

Gene: GNPAT (glyceronephosphate O-acyltransferase; plus strand). Cytogenetic location: 1q42.2.
Variant type: single nucleotide variant.
Coding change: c.1336G>T on transcript NM_014236.4 (MANE Select); coding-DNA position 1336, G replaced by T.
Protein change: p.Ala446Ser; replaces alanine 446 with serine.
Molecular consequence: missense variant.
Genome position (GRCh38, 1-based): chr1:231,270,814, G>T. VCF-style: chr1-231270814-G-T. GRCh37 (hg19) VCF-style: chr1-231406560-G-T.
Other names: c.1153G>T, p.Ala385Ser (NM_001316350.2); short protein forms A385S, A446S.
Identifiers: ClinVar variation 3766595 (VCV003766595.1).

ClinVar aggregate classification (germline): Uncertain significance (1 of 4 stars; one submission).

Conditions:
Rhizomelic chondrodysplasia punctata type 2 (RCDP2). Also called: DIHYDROXYACETONEPHOSPHATE ACYLTRANSFERASE DEFICIENCY; PEROXISOMAL DIHYDROXYACETONEPHOSPHATE ACYLTRANSFERASE DEFICIENCY; Chondrodysplasia punctata, rhizomelic, due to dihydroxyacetonephosphate acyltransferase deficiency; DHAPAT DEFICIENCY; Glyceronephosphate O-acyltransferase deficiency; glyceronephosphate O-acyltransferase (GNPAT) deficiency. Identifiers: Orphanet 177, Orphanet 309796, MedGen C1857242, MONDO:0100273, OMIM 222765. Disease mechanism: loss of function.

gnomAD v4.1: 38 of 1,614,034 alleles (0.0024%); highest among the groups gnomAD compares: Non-Finnish European, 0.0032%; no homozygotes.

Submission:

ARUP Laboratories, Molecular Genetics and Genomics, ARUP Laboratories
Classification: Uncertain significance for Rhizomelic chondrodysplasia punctata type 2. Last evaluated: 2024-04-30. Review status: criteria provided, single submitter. Criteria: ARUP Molecular Germline Variant Investigation Process 2024. Collection method: clinical testing. Allele origin: germline.
Comment: The GNPAT c.1336G>T; p.Ala446Ser variant (rs529376333), to our knowledge, is not reported in the medical literature or gene specific databases. This variant is only found on two alleles in the Genome Aggregation Database (v2.1.1), indicating it is not a common polymorphism. Computational analyses predict that this variant is neutral (REVEL: 0.058). Due to limited information, the clinical significance of this variant is uncertain at this time.